The following is an entry in ClinVar:

NM_001903.5(CTNNA1):c.373G>A (p.Val125Ile)

Gene: CTNNA1 (catenin alpha 1; plus strand). Cytogenetic location: 5q31.2.
Variant type: single nucleotide variant.
Coding change: c.373G>A on transcript NM_001903.5 (MANE Select); coding-DNA position 373, G replaced by A.
Protein change: p.Val125Ile; replaces valine 125 with isoleucine.
Molecular consequence: missense variant.
Genome position (GRCh38, 1-based): chr5:138,810,109, G>A. VCF-style: chr5-138810109-G-A. GRCh37 (hg19) VCF-style: chr5-138145798-G-A.
Other names: c.373G>A, p.Val125Ile (NM_001290307.3, NM_001323982.2, NM_001323983.1 and 3 more transcripts); c.64G>A, p.Val22Ile (NM_001290309.3); c.4G>A, p.Val2Ile (NM_001290310.3); short protein forms V125I, V22I, V2I.
Identifiers: ClinVar variation 3498205 (VCV003498205.2).

ClinVar aggregate classification (germline): Uncertain significance. Review status: criteria provided, multiple submitters, no conflicts (2 of 4 stars). 2 submissions from 2 submitters: Uncertain significance (2). Last evaluated 2025-11-04.

Conditions:
Hereditary cancer-predisposing syndrome. Also called: Tumor predisposition; Neoplastic Syndromes, Hereditary; Hereditary Cancer Syndrome; Hereditary neoplastic syndrome. Identifiers: Orphanet 140162, MedGen C0027672, MeSH D009386, MONDO:0015356.

Submissions (2):

Labcorp Genetics (formerly Invitae), Labcorp
Classification: Uncertain significance. Last evaluated: 2025-11-04. Review status: criteria provided, single submitter. Criteria: Invitae Variant Classification Sherloc (09022015). Collection method: clinical testing. Allele origin: germline.
Comment: This sequence change replaces valine, which is neutral and non-polar, with isoleucine, which is neutral and non-polar, at codon 125 of the CTNNA1 protein (p.Val125Ile). This variant is not present in population databases (gnomAD no frequency). This variant has not been reported in the literature in individuals affected with CTNNA1-related conditions. ClinVar contains an entry for this variant (Variation ID: 3498205). Invitae Evidence Modeling of protein sequence and biophysical properties (such as structural, functional, and spatial information, amino acid conservation, physicochemical variation, residue mobility, and thermodynamic stability) indicates that this missense variant is not expected to disrupt CTNNA1 protein function with a negative predictive value of 80%. In summary, the available evidence is currently insufficient to determine the role of this variant in disease. Therefore, it has been classified as a Variant of Uncertain Significance.

Ambry Genetics
Classification: Uncertain significance for Hereditary cancer-predisposing syndrome. Last evaluated: 2024-07-01. Review status: criteria provided, single submitter. Criteria: Ambry Variant Classification Scheme 2023. Collection method: clinical testing. Allele origin: germline.
Comment: The p.V125I variant (also known as c.373G>A), located in coding exon 3 of the CTNNA1 gene, results from a G to A substitution at nucleotide position 373. The valine at codon 125 is replaced by isoleucine, an amino acid with highly similar properties. This amino acid position is conserved. In addition, this alteration is predicted to be tolerated by in silico analysis. Based on the available evidence, the clinical significance of this variant remains unclear.